The following is an entry in ClinVar:

NM_139318.5(KCNH5):c.2632G>T (p.Ala878Ser)

Gene: KCNH5 (potassium voltage-gated channel subfamily H member 5; minus strand). Cytogenetic location: 14q23.2.
Variant type: single nucleotide variant.
Coding change: c.2632G>T on transcript NM_139318.5 (MANE Select); coding-DNA position 2632, G replaced by T.
Protein change: p.Ala878Ser; replaces alanine 878 with serine.
Molecular consequence: missense variant. On other transcripts: 3 prime UTR variant (1).
Genome position (GRCh38, 1-based): chr14:62,707,843, C>A on the plus strand (G>T on the coding strand, the complement: KCNH5 is on the minus strand). VCF-style: chr14-62707843-C-A. GRCh37 (hg19) VCF-style: chr14-63174561-C-A.
Other names: c.*599G>T (NM_172375.3); c.2632G>T (NM_139318.3); short protein forms A878S.
Identifiers: ClinVar variation 1506844 (VCV001506844.10), dbSNP rs376837885, ClinGen allele CA7217216.

ClinVar aggregate classification (germline): Uncertain significance. Review status: criteria provided, multiple submitters, no conflicts (2 of 4 stars). 2 submissions from 2 submitters: Uncertain significance (2). Last evaluated 2025-12-28.

Conditions:
Inborn genetic diseases. Identifiers: MedGen C0950123, MeSH D030342.
Early-infantile DEE. Also called: Early infantile epileptic encephalopathy; Ohtahara syndrome; Early infantile epileptic encephalopathy with suppression bursts. Identifiers: Orphanet 1934, MedGen C0393706, MONDO:0800491.

Allele frequency attached by ClinVar (database versions not stated): ESP Exome Variant Server 0.00008.
gnomAD v4.1: 40 of 1,614,108 alleles (0.0025%); highest among the groups gnomAD compares: Middle Eastern, 0.016%; no homozygotes.

Submissions (2):

Labcorp Genetics (formerly Invitae), Labcorp
Classification: Uncertain significance for Early-infantile DEE. Last evaluated: 2025-12-28. Review status: criteria provided, single submitter. Criteria: Invitae Variant Classification Sherloc (09022015). Collection method: clinical testing. Allele origin: germline.
Comment: This sequence change replaces alanine, which is neutral and non-polar, with serine, which is neutral and polar, at codon 878 of the KCNH5 protein (p.Ala878Ser). This variant is present in population databases (rs376837885, gnomAD 0.004%). This variant has not been reported in the literature in individuals affected with KCNH5-related conditions. ClinVar contains an entry for this variant (Variation ID: 1506844). Invitae Evidence Modeling of protein sequence and biophysical properties (such as structural, functional, and spatial information, amino acid conservation, physicochemical variation, residue mobility, and thermodynamic stability) indicates that this missense variant is not expected to disrupt KCNH5 protein function with a negative predictive value of 95%. In summary, the available evidence is currently insufficient to determine the role of this variant in disease. Therefore, it has been classified as a Variant of Uncertain Significance.

Ambry Genetics
Classification: Uncertain significance for Inborn genetic diseases. Last evaluated: 2024-06-02. Review status: criteria provided, single submitter. Criteria: Ambry Variant Classification Scheme 2023. Collection method: clinical testing. Allele origin: germline.